The following is an entry in ClinVar:

ClinVar aggregate classification (germline): Pathogenic. Review status: criteria provided, single submitter (1 of 4 stars). 2 submissions from 2 submitters: Pathogenic (1). 1 of the submissions does not count toward it. Last evaluated 2024-06-24.

Conditions:
Rafiq syndrome (RAFQS). Identifiers: Orphanet 88616, MedGen C3280127, MONDO:0013624, OMIM 614202.

Submissions (2):

Women's Health and Genetics/Laboratory Corporation of America, LabCorp
Classification: Pathogenic for Rafiq syndrome. Last evaluated: 2024-06-24. Review status: criteria provided, single submitter. Criteria: LabCorp Variant Classification Summary - May 2015. Collection method: clinical testing. Allele origin: germline.
Comment: Variant summary: MAN1B1 c.1311delG (p.Leu438TrpfsX33) results in a premature termination codon, predicted to cause a truncation of the encoded protein or absence of the protein due to nonsense mediated decay, which are commonly known mechanisms for disease. The variant was absent in 248672 control chromosomes. c.1311delG has been reported in the literature in individuals affected with intellectual disability (example: Balasubramanian_2019). These data indicate that the variant is likely to be associated with disease.The following publication has been ascertained in the context of this evaluation (PMID: 29908352). ClinVar contains an entry for this variant (Variation ID: 983298). Based on the evidence outlined above, the variant was classified as pathogenic.

OMIM
Classification: Pathogenic for RAFIQ SYNDROME. Last evaluated: 2020-10-29. Review status: no assertion criteria provided. Collection method: literature only. Allele origin: germline. Not counted in ClinVar's aggregate classification.

Literature cited by the submitters: PubMed 29908352 (cited by Women's Health and Genetics/Laboratory Corporation of America, LabCorp and OMIM).

NM_016219.5(MAN1B1):c.1311del (p.Leu438fs)

Gene: MAN1B1 (mannosidase alpha class 1B member 1; plus strand). Cytogenetic location: 9q34.3.
Variant type: Deletion.
Coding change: c.1311del on transcript NM_016219.5 (MANE Select); coding-DNA position 1311, one base deleted (G; older notation c.1311delG).
Protein change: p.Leu438fs; shifts the reading frame from leucine 438.
Molecular consequence: frameshift variant. On other transcripts: non-coding transcript variant (2).
Genome position (GRCh38, 1-based): chr9:137,106,181, G deleted; the last of 3 consecutive G bases (chr9:137,106,179-137,106,181); deleting any one gives the same sequence. VCF-style (leftmost placement, unchanged base first): chr9-137106178-TG-T. GRCh37 (hg19) VCF-style: chr9-140000630-TG-T.
Other names: c.1311delG (NM_016219.5); short protein forms L438fs.
Identifiers: ClinVar variation 983298 (VCV000983298.2), dbSNP rs747262065, ClinGen allele CA5359183.
Genomic context (GRCh38, chr9:137,106,178, plus strand): 5'-GCCGCAGGAGGCAGTGGAGAAGGTGACACAGCACATCCACGGCCTGTCTGGGAAGAAGGA[TG>T]GGCTGGTGCCCATGTTCATCAATACCCACAGTGGCCTCTTCACCCACCTGGGCGTATTCA-3'